The following is an entry in ClinVar:

ClinVar aggregate classification (germline): Benign. Review status: criteria provided, multiple submitters, no conflicts (2 of 4 stars). 2 submissions from 2 submitters: Benign (2). Last evaluated 2013-12-09.

Allele frequency attached by ClinVar (database versions not stated): 1000 Genomes Project 30x 0.03279; gnomAD exomes 0.00619 and 0.00246; gnomAD 0.02457 and 0.02637; 1000 Genomes Project 0.03115; ExAC 0.01129; ESP Exome Variant Server 0.02705; TOPMed 0.02816.
gnomAD v4.1: 7,293 of 1,541,696 alleles (0.47%); highest among the groups gnomAD compares: African/African-American, 8.7%; 293 homozygotes.

Submissions (2):

GeneDx
Classification: Benign. Last evaluated: 2013-12-09. Review status: criteria provided, single submitter. Criteria: GeneDx Variant Classification (06012015). Collection method: clinical testing. Allele origin: germline. Affected: yes.
Comment: This variant is considered likely benign or benign based on one or more of the following criteria: it is a conservative change, it occurs at a poorly conserved position in the protein, it is predicted to be benign by multiple in silico algorithms, and/or has population frequency not consistent with disease.

Breakthrough Genomics
Classification: Benign. Review status: criteria provided, single submitter. Criteria: ACMG Guidelines, 2015. Collection method: not provided. Allele origin: germline. Inheritance: Autosomal recessive inheritance. Affected: yes.

NM_182476.2(COQ6):c.-40G>T

Gene: COQ6 (coenzyme Q6, monooxygenase; plus strand). Cytogenetic location: 14q24.3.
Variant type: single nucleotide variant.
Coding change: c.-40G>T on transcript NM_182476.2; 40 bases upstream of the start codon, G replaced by T.
Molecular consequence: intron variant (on NM_001425258.1).
Genome position (GRCh38, 1-based): chr14:73,950,293, G>T. VCF-style: chr14-73950293-G-T. GRCh37 (hg19) VCF-style: chr14-74416996-G-T.
Other names: c.88+113G>T (NM_001425258.1, NM_182480.3); c.-4+113G>T (NM_001425259.1, NM_001425261.1).
Identifiers: ClinVar variation 136987 (VCV000136987.4), dbSNP rs78801603, ClinGen allele CA290444.